The following is an entry in ClinVar:

NM_001256007.3(PNPLA8):c.1033C>T (p.Arg345Cys)

Gene: PNPLA8 (patatin like domain 8, phospholipase A2; minus strand). Cytogenetic location: 7q31.1.
Variant type: single nucleotide variant.
Coding change: c.1033C>T on transcript NM_001256007.3 (MANE Select); coding-DNA position 1033, C replaced by T.
Protein change: p.Arg345Cys; replaces arginine 345 with cysteine.
Molecular consequence: missense variant.
Genome position (GRCh38, 1-based): chr7:108,514,459, G>A on the plus strand (C>T on the coding strand, the complement: PNPLA8 is on the minus strand). VCF-style: chr7-108514459-G-A. GRCh37 (hg19) VCF-style: chr7-108154903-G-A.
Other names: c.1033C>T, p.Arg345Cys (NM_001256008.3, NM_001256009.3, NM_015723.5); c.733C>T, p.Arg245Cys (NM_001256010.3, NM_001256011.3); short protein forms R245C, R345C.
Identifiers: ClinVar variation 1900129 (VCV001900129.3), dbSNP rs199676922, ClinGen allele CA4439706.

ClinVar aggregate classification (germline): Uncertain significance. Review status: criteria provided, multiple submitters, no conflicts (2 of 4 stars). 2 submissions from 2 submitters: Uncertain significance (2). Last evaluated 2022-12-21.

Conditions:
Inborn genetic diseases. Identifiers: MedGen C0950123, MeSH D030342.

Allele frequency attached by ClinVar (database versions not stated): ESP Exome Variant Server 0.00008.
gnomAD v4.1: 37 of 1,610,104 alleles (0.0023%); highest among the groups gnomAD compares: African/African-American, 0.039%; no homozygotes.

Submissions (2):

Ambry Genetics
Classification: Uncertain significance for Inborn genetic diseases. Last evaluated: 2022-12-21. Review status: criteria provided, single submitter. Criteria: Ambry Variant Classification Scheme 2023. Collection method: clinical testing. Allele origin: germline.

Labcorp Genetics (formerly Invitae), Labcorp
Classification: Uncertain significance. Last evaluated: 2022-07-06. Review status: criteria provided, single submitter. Criteria: Invitae Variant Classification Sherloc (09022015). Collection method: clinical testing. Allele origin: germline.
Comment: This sequence change replaces arginine, which is basic and polar, with cysteine, which is neutral and slightly polar, at codon 345 of the PNPLA8 protein (p.Arg345Cys). This variant is present in population databases (rs199676922, gnomAD 0.05%). This variant has not been reported in the literature in individuals affected with PNPLA8-related conditions. Algorithms developed to predict the effect of missense changes on protein structure and function are either unavailable or do not agree on the potential impact of this missense change (SIFT: "Deleterious"; PolyPhen-2: "Possibly Damaging"; Align-GVGD: "Class C0"). In summary, the available evidence is currently insufficient to determine the role of this variant in disease. Therefore, it has been classified as a Variant of Uncertain Significance.